The following is an entry in ClinVar:

ClinVar aggregate classification (germline): Uncertain significance (1 of 4 stars; one submission).

Conditions:
POLD1-related polyposis and colorectal cancer syndrome (CRCS10). Also called: Colorectal cancer, susceptibility to, 10; Colorectal cancer 10; COLORECTAL CANCER, SUSCEPTIBILITY TO, ON CHROMOSOME 19q. Identifiers: Orphanet 220460, MedGen C2675481, MONDO:0012953, OMIM 612591.

Submission:

Labcorp Genetics (formerly Invitae), Labcorp
Classification: Uncertain significance for POLD1-related polyposis and colorectal cancer syndrome. Last evaluated: 2021-08-19. Review status: criteria provided, single submitter. Criteria: Invitae Variant Classification Sherloc (09022015). Collection method: clinical testing. Allele origin: germline.
Comment: In summary, the available evidence is currently insufficient to determine the role of this variant in disease. Therefore, it has been classified as a Variant of Uncertain Significance. Variants that disrupt the consensus splice site are a relatively common cause of aberrant splicing (PMID: 17576681, 9536098). Algorithms developed to predict the effect of sequence changes on RNA splicing suggest that this variant may create or strengthen a splice site. This variant has not been reported in the literature in individuals affected with POLD1-related conditions. This variant is not present in population databases (ExAC no frequency). This sequence change falls in intron 12 of the POLD1 gene. It does not directly change the encoded amino acid sequence of the POLD1 protein. It affects a nucleotide within the consensus splice site of the intron.

Literature cited by the submitters: PubMed 17576681; PubMed 9536098.

NM_002691.4(POLD1):c.1494+5C>G

Gene: POLD1 (DNA polymerase delta 1, catalytic subunit; plus strand). Cytogenetic location: 19q13.33.
Variant type: single nucleotide variant.
Coding change: c.1494+5C>G on transcript NM_002691.4 (MANE Select); 5 bases into the intron after coding-DNA position 1494, C replaced by G.
Molecular consequence: intron variant.
Genome position (GRCh38, 1-based): chr19:50,406,522, C>G. VCF-style: chr19-50406522-C-G. GRCh37 (hg19) VCF-style: chr19-50909779-C-G.
Other names: c.1494+5C>G (NM_001256849.1, NM_001308632.1).
Identifiers: ClinVar variation 1376228 (VCV001376228.6), dbSNP rs565428379, ClinGen allele CA2573156682.